The following is an entry in ClinVar:

ClinVar aggregate classification (germline): Uncertain significance. Review status: criteria provided, multiple submitters, no conflicts (2 of 4 stars). 2 submissions from 2 submitters: Uncertain significance (2). Last evaluated 2024-01-03.

Conditions:
Inborn genetic diseases. Identifiers: MedGen C0950123, MeSH D030342.

Allele frequency attached by ClinVar (database versions not stated): TOPMed below 0.00001; gnomAD 0.00001; gnomAD exomes 0.00001.
gnomAD v4.1: 16 of 1,614,046 alleles (0.00099%); highest among the groups gnomAD compares: Non-Finnish European, 0.0014%; no homozygotes.

Submissions (2):

Ambry Genetics
Classification: Uncertain significance for Inborn genetic diseases. Last evaluated: 2024-01-03. Review status: criteria provided, single submitter. Criteria: Ambry Variant Classification Scheme 2023. Collection method: clinical testing. Allele origin: germline.

GeneDx
Classification: Uncertain significance. Last evaluated: 2020-02-21. Review status: criteria provided, single submitter. Criteria: GeneDx Variant Classification Process June 2021. Collection method: clinical testing. Allele origin: germline. Affected: yes.
Comment: Not observed in large population cohorts (Lek et al., 2016); In silico analysis supports that this missense variant has a deleterious effect on protein structure/function; Has not been previously published as pathogenic or benign to our knowledge

NM_002291.3(LAMB1):c.1693G>A (p.Gly565Arg)

Gene: LAMB1 (laminin subunit beta 1; minus strand). Cytogenetic location: 7q31.1.
Variant type: single nucleotide variant.
Coding change: c.1693G>A on transcript NM_002291.3 (MANE Select); coding-DNA position 1693, G replaced by A.
Protein change: p.Gly565Arg; replaces glycine 565 with arginine.
Molecular consequence: missense variant.
Genome position (GRCh38, 1-based): chr7:107,964,557, C>T on the plus strand (G>A on the coding strand, the complement: LAMB1 is on the minus strand). VCF-style: chr7-107964557-C-T. GRCh37 (hg19) VCF-style: chr7-107605002-C-T.
Other names: short protein forms G565R.
Identifiers: ClinVar variation 393142 (VCV000393142.5), dbSNP rs1027795897, ClinGen allele CA16605632.